The following is an entry in ClinVar:

NM_015365.3(AMMECR1):c.790+1G>A

Gene: AMMECR1 (AMMECR nuclear protein 1; minus strand). Cytogenetic location: Xq23.
Variant type: single nucleotide variant.
Coding change: c.790+1G>A on transcript NM_015365.3 (MANE Select); the canonical splice donor site of the intron after coding-DNA position 790, G replaced by A.
Molecular consequence: splice donor variant.
Genome position (GRCh38, 1-based): chrX:110,202,445, C>T on the plus strand (G>A on the coding strand, the complement: AMMECR1 is on the minus strand). VCF-style: chrX-110202445-C-T. GRCh37 (hg19) VCF-style: chrX-109445673-C-T.
Other names: c.421+1G>A (NM_001171689.2); c.679+1G>A (NM_001025580.2).
Identifiers: ClinVar variation 3767995 (VCV003767995.1).

ClinVar aggregate classification (germline): Likely pathogenic (1 of 4 stars; one submission).

Conditions:
Nephrocalcinosis. Also called: Hypercalcemic nephropathy. Identifiers: MedGen C0027709, MONDO:0001567, HP:0000121.

Submission:

Clinical Genetics Laboratory, Skane University Hospital Lund
Classification: Likely pathogenic for Nephrocalcinosis. Last evaluated: 2024-08-14. Review status: criteria provided, single submitter. Criteria: ACMG Guidelines, 2015. Collection method: clinical testing. Allele origin: germline. Affected: yes.
Comment: PVS1, PM2